The following is an entry in ClinVar:

NC_000001.10:g.(?_197297542)_(197298143_?)del

Gene: CRB1 (crumbs cell polarity complex component 1; plus strand). Cytogenetic location: 1q31.3.
Variant type: Deletion.
Identifiers: ClinVar variation 1067651 (VCV001067651.6).

ClinVar aggregate classification (germline): Likely pathogenic (1 of 4 stars; one submission).

Conditions:
Retinitis pigmentosa 12 (RP12). Also called: RP WITH OR WITHOUT PPRPE; RP WITH OR WITHOUT PRESERVED PARAARTERIOLE RETINAL PIGMENT EPITHELIUM; RETINITIS PIGMENTOSA WITH OR WITHOUT PARAARTERIOLAR PRESERVATION OF RETINAL PIGMENT EPITHELIUM. Identifiers: Orphanet 791, MedGen C1838647, MONDO:0010818, OMIM 600105.
Leber congenital amaurosis 8 (LCA8). Identifiers: Orphanet 65, MedGen C3151202, MONDO:0013453, OMIM 613835.

Submission:

Labcorp Genetics (formerly Invitae), Labcorp
Classification: Likely pathogenic for Leber congenital amaurosis 8; Retinitis pigmentosa 12. Last evaluated: 2021-08-12. Review status: criteria provided, single submitter. Criteria: Invitae Variant Classification Sherloc (09022015). Collection method: clinical testing. Allele origin: germline.
Comment: This variant is a gross deletion of the genomic region encompassing exon(s) 2 of the CRB1 gene. This variant would be expected to be in-frame, preserving the integrity of the reading frame. This variant has not been reported in the literature in individuals affected with CRB1-related conditions. This variant disrupts the p.Cys152 amino acid residue in CRB1. Other variant(s) that disrupt this residue have been determined to be pathogenic (PMID: 23449718, 25356976). This suggests that this residue is clinically significant, and that variants that disrupt this residue are likely to be disease-causing. In summary, the currently available evidence indicates that the variant is pathogenic, but additional data are needed to prove that conclusively. Therefore, this variant has been classified as Likely Pathogenic.

Literature cited by the submitters: PubMed 23449718; PubMed 25356976.